The following is an entry in ClinVar:

NM_001080467.3(MYO5B):c.4406T>C (p.Met1469Thr)

Genes: MYO5B (myosin VB; minus strand), SNHG22 (small nucleolar RNA host gene 22; plus strand). Cytogenetic location: 18q21.1.
Variant type: single nucleotide variant.
Coding change: c.4406T>C on transcript NM_001080467.3 (MANE Select); coding-DNA position 4406, T replaced by C.
Protein change: p.Met1469Thr; replaces methionine 1469 with threonine.
Molecular consequence: missense variant.
Genome position (GRCh38, 1-based): chr18:49,847,199, A>G on the plus strand (T>C on the coding strand, the complement: MYO5B is on the minus strand). VCF-style: chr18-49847199-A-G. GRCh37 (hg19) VCF-style: chr18-47373569-A-G.
Other names: short protein forms M1469T.
Identifiers: ClinVar variation 1524934 (VCV001524934.8), dbSNP rs2144048662, ClinGen allele CA402426005.

ClinVar aggregate classification (germline): Uncertain significance (1 of 4 stars; one submission).

Submission:

Labcorp Genetics (formerly Invitae), Labcorp
Classification: Uncertain significance. Last evaluated: 2024-12-25. Review status: criteria provided, single submitter. Criteria: Invitae Variant Classification Sherloc (09022015). Collection method: clinical testing. Allele origin: germline.
Comment: This sequence change replaces methionine, which is neutral and non-polar, with threonine, which is neutral and polar, at codon 1469 of the MYO5B protein (p.Met1469Thr). This variant is not present in population databases (gnomAD no frequency). This variant has not been reported in the literature in individuals affected with MYO5B-related conditions. ClinVar contains an entry for this variant (Variation ID: 1524934). Invitae Evidence Modeling of protein sequence and biophysical properties (such as structural, functional, and spatial information, amino acid conservation, physicochemical variation, residue mobility, and thermodynamic stability) indicates that this missense variant is expected to disrupt MYO5B protein function with a positive predictive value of 80%. In summary, the available evidence is currently insufficient to determine the role of this variant in disease. Therefore, it has been classified as a Variant of Uncertain Significance.